The following is an entry in ClinVar:

ClinVar aggregate classification (germline): Uncertain significance. Review status: criteria provided, multiple submitters, no conflicts (2 of 4 stars). 8 submissions from 4 submitters: Uncertain significance (8). Last evaluated 2025-02-05.

Conditions:
Hereditary cryohydrocytosis with reduced stomatin. Also called: Stomatin-deficient cryohydrocytosis with neurologic defects; GLUT1 DEFICIENCY SYNDROME WITH PSEUDOHYPERKALEMIA AND HEMOLYSIS. Identifiers: Orphanet 168577, MedGen C1837206, MONDO:0012143, OMIM 608885.
Dystonia 9 (DYT9). Also called: CHOREOATHETOSIS, KINESIGENIC, WITH EPISODIC ATAXIA AND SPASTICITY. Identifiers: Orphanet 53583, MedGen C1832855, MONDO:0010983, OMIM 601042.
Epilepsy, idiopathic generalized, susceptibility to, 12 (EIG12). Identifiers: MedGen C3553859, MONDO:0013919, OMIM 614847.
Encephalopathy due to GLUT1 deficiency. Also called: GLUT1 deficiency syndrome 1, infantile onset, severe; GLUT1 deficiency syndrome 1; Classic Glucose Transporter Type 1 Deficiency Syndrome; GLUCOSE TRANSPORT DEFECT, BLOOD-BRAIN BARRIER; De Vivo disease; Glucose transporter protein syndrome. Identifiers: Orphanet 71277, MedGen C4551966, MONDO:0011724, OMIM 606777.
GLUT1 deficiency syndrome 1, autosomal recessive. Identifiers: MedGen C3149117.
Childhood onset GLUT1 deficiency syndrome 2. Also called: Paroxysmal exercise-induced dystonia; GLUT1 deficiency syndrome 2; Exertion-induced paroxysmal dyskinesia; PAROXYSMAL EXERCISE-INDUCED DYSKINESIA WITH OR WITHOUT EPILEPSY AND/OR HEMOLYTIC ANEMIA; PAROXYSMAL EXERTION-INDUCED DYSTONIA WITH OR WITHOUT EPILEPSY AND/OR HEMOLYTIC ANEMIA; PED WITH OR WITHOUT EPILEPSY AND/OR HEMOLYTIC ANEMIA. Identifiers: Orphanet 98811, MedGen C1842534, MONDO:0012805, OMIM 612126.

Submissions (8):

Revvity Omics, Revvity
Classification: Uncertain significance. Last evaluated: 2025-02-05. Review status: criteria provided, single submitter. Criteria: ACMG Guidelines, 2015. Collection method: clinical testing. Allele origin: germline.

GeneDx
Classification: Uncertain significance. Last evaluated: 2024-05-06. Review status: criteria provided, single submitter. Criteria: GeneDx Variant Classification Process June 2021. Collection method: clinical testing. Allele origin: germline. Affected: yes.
Comment: Not observed at significant frequency in large population cohorts (gnomAD); In silico analysis supports that this missense variant has a deleterious effect on protein structure/function; Has not been previously published as pathogenic or benign to our knowledge

Genome-Nilou Lab
Classification: Uncertain significance for Epilepsy, idiopathic generalized, susceptibility to, 12. Last evaluated: 2023-04-11. Review status: criteria provided, single submitter. Criteria: ACMG Guidelines, 2015. Collection method: clinical testing. Allele origin: germline. Affected: no.

Genome-Nilou Lab
Classification: Uncertain significance for Dystonia 9. Last evaluated: 2023-04-11. Review status: criteria provided, single submitter. Criteria: ACMG Guidelines, 2015. Collection method: clinical testing. Allele origin: germline. Affected: no.

Genome-Nilou Lab
Classification: Uncertain significance for Encephalopathy due to GLUT1 deficiency. Last evaluated: 2023-04-11. Review status: criteria provided, single submitter. Criteria: ACMG Guidelines, 2015. Collection method: clinical testing. Allele origin: germline. Affected: no.

Genome-Nilou Lab
Classification: Uncertain significance for Childhood onset GLUT1 deficiency syndrome 2. Last evaluated: 2023-04-11. Review status: criteria provided, single submitter. Criteria: ACMG Guidelines, 2015. Collection method: clinical testing. Allele origin: germline. Affected: no.

Genome-Nilou Lab
Classification: Uncertain significance for Hereditary cryohydrocytosis with reduced stomatin. Last evaluated: 2023-04-11. Review status: criteria provided, single submitter. Criteria: ACMG Guidelines, 2015. Collection method: clinical testing. Allele origin: germline. Affected: no.

Labcorp Genetics (formerly Invitae), Labcorp
Classification: Uncertain significance for GLUT1 deficiency syndrome 1, autosomal recessive. Last evaluated: 2022-03-13. Review status: criteria provided, single submitter. Criteria: Invitae Variant Classification Sherloc (09022015). Collection method: clinical testing. Allele origin: germline.
Comment: This sequence change replaces threonine, which is neutral and polar, with alanine, which is neutral and non-polar, at codon 448 of the SLC2A1 protein (p.Thr448Ala). This variant is not present in population databases (gnomAD no frequency). This variant has not been reported in the literature in individuals affected with SLC2A1-related conditions. Algorithms developed to predict the effect of missense changes on protein structure and function are either unavailable or do not agree on the potential impact of this missense change (SIFT: "Tolerated"; PolyPhen-2: "Probably Damaging"; Align-GVGD: "Class C0"). In summary, the available evidence is currently insufficient to determine the role of this variant in disease. Therefore, it has been classified as a Variant of Uncertain Significance.

NM_006516.4(SLC2A1):c.1342A>G (p.Thr448Ala)

Gene: SLC2A1 (solute carrier family 2 member 1; minus strand). Cytogenetic location: 1p34.2.
Variant type: single nucleotide variant.
Coding change: c.1342A>G on transcript NM_006516.4 (MANE Select); coding-DNA position 1342, A replaced by G.
Protein change: p.Thr448Ala; replaces threonine 448 with alanine.
Molecular consequence: missense variant.
Genome position (GRCh38, 1-based): chr1:42,927,178, T>C on the plus strand (A>G on the coding strand, the complement: SLC2A1 is on the minus strand). VCF-style: chr1-42927178-T-C. GRCh37 (hg19) VCF-style: chr1-43392849-T-C.
Other names: c.1342A>G (NM_006516.2); short protein forms T448A.
Identifiers: ClinVar variation 2182226 (VCV002182226.9), dbSNP rs2524982307, ClinGen allele CA339953282.
Genomic context (GRCh38, chr1:42,927,178, plus strand): 5'-GGAAGCCGGAAGCGATCTCATCGAAGGTCCGGCCTTTAGTCTCAGGAACTTTGAAGTAGG[T>C]GAAGATGAAGAACAGAACCAGGAGCACAGTGAAGATGATGAAGACGTAGGGACCACACAG-3'
Protein context (NP_006507.2, residues 438-458): TVLLVLFFIF[Thr448Ala]YFKVPETKGR